The following is an entry in ClinVar:

ClinVar aggregate classification (germline): Uncertain significance (1 of 4 stars; one submission).

Submission:

Labcorp Genetics (formerly Invitae), Labcorp
Classification: Uncertain significance. Last evaluated: 2022-02-10. Review status: criteria provided, single submitter. Criteria: Invitae Variant Classification Sherloc (09022015). Collection method: clinical testing. Allele origin: germline.
Comment: This sequence change replaces threonine, which is neutral and polar, with alanine, which is neutral and non-polar, at codon 239 of the ELOVL4 protein (p.Thr239Ala). This variant is not present in population databases (gnomAD no frequency). This variant has not been reported in the literature in individuals affected with ELOVL4-related conditions. ClinVar contains an entry for this variant (Variation ID: 1061912). Algorithms developed to predict the effect of missense changes on protein structure and function (SIFT, PolyPhen-2, Align-GVGD) all suggest that this variant is likely to be tolerated. In summary, the available evidence is currently insufficient to determine the role of this variant in disease. Therefore, it has been classified as a Variant of Uncertain Significance.

NM_022726.4(ELOVL4):c.715A>G (p.Thr239Ala)

Gene: ELOVL4 (ELOVL fatty acid elongase 4; minus strand). Cytogenetic location: 6q14.1.
Variant type: single nucleotide variant.
Coding change: c.715A>G on transcript NM_022726.4 (MANE Select); coding-DNA position 715, A replaced by G.
Protein change: p.Thr239Ala; replaces threonine 239 with alanine.
Molecular consequence: missense variant.
Genome position (GRCh38, 1-based): chr6:79,916,838, T>C on the plus strand (A>G on the coding strand, the complement: ELOVL4 is on the minus strand). VCF-style: chr6-79916838-T-C. GRCh37 (hg19) VCF-style: chr6-80626555-T-C.
Other names: short protein forms T239A.
Identifiers: ClinVar variation 1061912 (VCV001061912.9), dbSNP rs1774171718, ClinGen allele CA364656010.